The following is an entry in ClinVar:

NM_000135.4(FANCA):c.283+2T>G

Gene: FANCA (FA complementation group A; minus strand). Cytogenetic location: 16q24.3.
Variant type: single nucleotide variant.
Coding change: c.283+2T>G on transcript NM_000135.4 (MANE Select); the canonical splice donor site of the intron after coding-DNA position 283, T replaced by G.
Molecular consequence: splice donor variant.
Genome position (GRCh38, 1-based): chr16:89,814,518, A>C on the plus strand (T>G on the coding strand, the complement: FANCA is on the minus strand). VCF-style: chr16-89814518-A-C. GRCh37 (hg19) VCF-style: chr16-89880926-A-C.
Other names: c.283+2T>G (NM_001286167.3, NM_001351830.2, NM_001018112.3).
Identifiers: ClinVar variation 2766799 (VCV002766799.3), dbSNP rs2544382014, ClinGen allele CA397482407.
Genomic context (GRCh38, chr16:89,814,518, plus strand): 5'-TATGGTTACTATATAAAAACCCTTCTGCAATTCAAAATAGAGAAAATGAAGCTATAACTT[A>C]CCTATAAATGAACTAGAATGATTAGCATAGGCCTCAGAACTGTCACAGTCAATCACTTTG-3'

ClinVar aggregate classification (germline): Pathogenic (1 of 4 stars; one submission).

Conditions:
Fanconi anemia (FA). Also called: Fanconi's anemia. Identifiers: Orphanet 84, MedGen C0015625, MeSH D005199, MONDO:0019391.

Submission:

Labcorp Genetics (formerly Invitae), Labcorp
Classification: Pathogenic for Fanconi anemia. Last evaluated: 2023-10-16. Review status: criteria provided, single submitter. Criteria: Invitae Variant Classification Sherloc (09022015). Collection method: clinical testing. Allele origin: germline.
Comment: This sequence change affects a donor splice site in intron 3 of the FANCA gene. It is expected to disrupt RNA splicing. Variants that disrupt the donor or acceptor splice site typically lead to a loss of protein function (PMID: 16199547), and loss-of-function variants in FANCA are known to be pathogenic (PMID: 19367192). This variant is not present in population databases (gnomAD no frequency). Disruption of this splice site has been observed in individual(s) with Fanconi anemia (PMID: 30792206; Invitae). In at least one individual the data is consistent with being in trans (on the opposite chromosome) from a pathogenic variant. Algorithms developed to predict the effect of sequence changes on RNA splicing suggest that this variant may disrupt the consensus splice site. For these reasons, this variant has been classified as Pathogenic.

Literature cited by the submitters: PubMed 16199547; PubMed 19367192; PubMed 30792206.